The following is an entry in ClinVar:

ClinVar aggregate classification (germline): Conflicting classifications of pathogenicity. Review status: criteria provided, conflicting classifications (1 of 4 stars). 2 submissions from 2 submitters: Uncertain significance (1); Likely benign (1). Last evaluated 2025-08-20.

Conditions:
Hereditary cancer-predisposing syndrome. Also called: Neoplastic Syndromes, Hereditary; Tumor predisposition; Hereditary Cancer Syndrome; Hereditary neoplastic syndrome. Identifiers: Orphanet 140162, MedGen C0027672, MeSH D009386, MONDO:0015356.
Gastrointestinal stromal tumor. Also called: Gastrointestinal stromal tumor, somatic; Gastrointestinal stroma tumor. Identifiers: Orphanet 44890, MedGen C0238198, MeSH D046152, MONDO:0011719, OMIM 606764, HP:0100723.

Submissions (2):

Ambry Genetics
Classification: Likely benign for Hereditary cancer-predisposing syndrome. Last evaluated: 2025-08-20. Review status: criteria provided, single submitter. Criteria: Ambry Variant Classification Scheme 2023. Collection method: clinical testing. Allele origin: germline.

Labcorp Genetics (formerly Invitae), Labcorp
Classification: Uncertain significance for Gastrointestinal stromal tumor. Last evaluated: 2024-10-18. Review status: criteria provided, single submitter. Criteria: Invitae Variant Classification Sherloc (09022015). Collection method: clinical testing. Allele origin: germline.
Comment: This sequence change replaces serine, which is neutral and polar, with alanine, which is neutral and non-polar, at codon 227 of the PDGFRA protein (p.Ser227Ala). This variant is not present in population databases (gnomAD no frequency). This variant has not been reported in the literature in individuals affected with PDGFRA-related conditions. Invitae Evidence Modeling of protein sequence and biophysical properties (such as structural, functional, and spatial information, amino acid conservation, physicochemical variation, residue mobility, and thermodynamic stability) indicates that this missense variant is not expected to disrupt PDGFRA protein function with a negative predictive value of 80%. In summary, the available evidence is currently insufficient to determine the role of this variant in disease. Therefore, it has been classified as a Variant of Uncertain Significance.

NM_006206.6(PDGFRA):c.679T>G (p.Ser227Ala)

Gene: PDGFRA (platelet derived growth factor receptor alpha; plus strand). Cytogenetic location: 4q12.
Variant type: single nucleotide variant.
Coding change: c.679T>G on transcript NM_006206.6 (MANE Select); coding-DNA position 679, T replaced by G.
Protein change: p.Ser227Ala; replaces serine 227 with alanine.
Molecular consequence: missense variant.
Genome position (GRCh38, 1-based): chr4:54,264,969, T>G. VCF-style: chr4-54264969-T-G. GRCh37 (hg19) VCF-style: chr4-55131136-T-G.
Other names: c.679T>G, p.Ser227Ala (NM_001347827.2, NM_001347829.2); c.754T>G, p.Ser252Ala (NM_001347828.2); c.718T>G, p.Ser240Ala (NM_001347830.2); short protein forms S227A, S240A, S252A.
Identifiers: ClinVar variation 3668687 (VCV003668687.3).